The following is an entry in ClinVar:

ClinVar aggregate classification (germline): Uncertain significance (1 of 4 stars; one submission).

gnomAD v4.1: 2 of 1,611,000 alleles (0.00012%); highest among the groups gnomAD compares: Non-Finnish European, 0.00017%; no homozygotes.

Submission:

GeneDx
Classification: Uncertain significance. Last evaluated: 2025-01-30. Review status: criteria provided, single submitter. Criteria: GeneDx Variant Classification Process June 2021. Collection method: clinical testing. Allele origin: germline. Affected: yes.
Comment: Not observed at significant frequency in large population cohorts (gnomAD); In silico analysis supports that this missense variant has a deleterious effect on protein structure/function; Has not been previously published as pathogenic or benign to our knowledge

NM_018263.6(ASXL2):c.3896A>G (p.Asp1299Gly)

Gene: ASXL2 (ASXL transcriptional regulator 2; minus strand). Cytogenetic location: 2p23.3.
Variant type: single nucleotide variant.
Coding change: c.3896A>G on transcript NM_018263.6 (MANE Select); coding-DNA position 3896, A replaced by G.
Protein change: p.Asp1299Gly; replaces aspartic acid 1299 with glycine.
Molecular consequence: missense variant.
Genome position (GRCh38, 1-based): chr2:25,742,441, T>C on the plus strand (A>G on the coding strand, the complement: ASXL2 is on the minus strand). VCF-style: chr2-25742441-T-C. GRCh37 (hg19) VCF-style: chr2-25965310-T-C.
Other names: c.3722A>G, p.Asp1241Gly (NM_001369346.1); c.3116A>G, p.Asp1039Gly (NM_001369347.1); short protein forms D1039G, D1241G, D1299G.
Identifiers: ClinVar variation 4072590 (VCV004072590.1).
Genomic context (GRCh38, chr2:25,742,441, plus strand): 5'-CTTCCATACAACTTCGGGGTTTGCAGGGGTGGAAGGAGTAGGGGCTGGTGGGTGGGGCTG[T>C]CTGCAGGCAGAGGAAGAACAGTAGAACTGAAAAGCTCGGGGCTGCTACGGATTGCCTTAC-3'
Protein context (NP_060733.4, residues 1289-1309): FSSTVLPLPA[Asp1299Gly]SPTHQPLLLP